The following is an entry in ClinVar:

NM_000520.6(HEXA):c.1152G>C (p.Gln384His)

Gene: HEXA (hexosaminidase subunit alpha; minus strand). Cytogenetic location: 15q23.
Variant type: single nucleotide variant.
Coding change: c.1152G>C on transcript NM_000520.6 (MANE Select); coding-DNA position 1152, G replaced by C.
Protein change: p.Gln384His; replaces glutamine 384 with histidine.
Molecular consequence: missense variant.
Genome position (GRCh38, 1-based): chr15:72,346,705, C>G on the plus strand (G>C on the coding strand, the complement: HEXA is on the minus strand). VCF-style: chr15-72346705-C-G. GRCh37 (hg19) VCF-style: chr15-72639046-C-G.
Other names: c.1185G>C, p.Gln395His (NM_001318825.2); short protein forms Q384H, Q395H.
Identifiers: ClinVar variation 2168900 (VCV002168900.1), dbSNP rs2542514881, ClinGen allele CA393061471.

ClinVar aggregate classification (germline): Uncertain significance (1 of 4 stars; one submission).

Conditions:
Tay-Sachs disease (TSD). Also called: GM2 gangliosidosis, type 1; Hexosaminidase alpha-subunit deficiency (variant B); Sphingolipidosis, Tay-Sachs; Hexosaminidase A Deficiency; HEXA DEFICIENCY; HEXA Disorders. Identifiers: Orphanet 845, MedGen C0039373, MONDO:0010100, OMIM 272800.

gnomAD v4.1: 2 of 1,614,048 alleles (0.00012%); highest among the groups gnomAD compares: African/African-American, 0.0013%; no homozygotes.

Submission:

Labcorp Genetics (formerly Invitae), Labcorp
Classification: Uncertain significance for Tay-Sachs disease. Last evaluated: 2022-04-13. Review status: criteria provided, single submitter. Criteria: Invitae Variant Classification Sherloc (09022015). Collection method: clinical testing. Allele origin: germline.
Comment: This sequence change replaces glutamine, which is neutral and polar, with histidine, which is basic and polar, at codon 384 of the HEXA protein (p.Gln384His). This variant is not present in population databases (gnomAD no frequency). This variant has not been reported in the literature in individuals affected with HEXA-related conditions. Algorithms developed to predict the effect of missense changes on protein structure and function (SIFT, PolyPhen-2, Align-GVGD) all suggest that this variant is likely to be tolerated. Algorithms developed to predict the effect of sequence changes on RNA splicing suggest that this variant may create or strengthen a splice site. In summary, the available evidence is currently insufficient to determine the role of this variant in disease. Therefore, it has been classified as a Variant of Uncertain Significance.